The following is an entry in ClinVar:

ClinVar aggregate classification (germline): Uncertain significance (1 of 4 stars; one submission).

gnomAD v4.1: 2 of 1,613,354 alleles (0.00012%); highest among the groups gnomAD compares: South Asian, 0.0022%; no homozygotes.

Submission:

Labcorp Genetics (formerly Invitae), Labcorp
Classification: Uncertain significance. Last evaluated: 2025-09-07. Review status: criteria provided, single submitter. Criteria: Invitae Variant Classification Sherloc (09022015). Collection method: clinical testing. Allele origin: germline.
Comment: This sequence change replaces alanine, which is neutral and non-polar, with threonine, which is neutral and polar, at codon 1098 of the POLR3A protein (p.Ala1098Thr). This variant is present in population databases (rs775170792, gnomAD 0.003%). This variant has not been reported in the literature in individuals affected with POLR3A-related conditions. Invitae Evidence Modeling of protein sequence and biophysical properties (such as structural, functional, and spatial information, amino acid conservation, physicochemical variation, residue mobility, and thermodynamic stability) indicates that this missense variant is not expected to disrupt POLR3A protein function with a negative predictive value of 80%. In summary, the available evidence is currently insufficient to determine the role of this variant in disease. Therefore, it has been classified as a Variant of Uncertain Significance.

NM_007055.4(POLR3A):c.3292G>A (p.Ala1098Thr)

Genes: POLR3A (RNA polymerase III subunit A; minus strand), LOC126860970 (BRD4-independent group 4 enhancer GRCh37_chr10:79743812-79745011; plus strand). Cytogenetic location: 10q22.3.
Variant type: single nucleotide variant.
Coding change: c.3292G>A on transcript NM_007055.4 (MANE Select); coding-DNA position 3292, G replaced by A.
Protein change: p.Ala1098Thr; replaces alanine 1098 with threonine.
Molecular consequence: missense variant.
Genome position (GRCh38, 1-based): chr10:77,984,249, C>T on the plus strand (G>A on the coding strand, the complement: POLR3A is on the minus strand). VCF-style: chr10-77984249-C-T. GRCh37 (hg19) VCF-style: chr10-79744007-C-T.
Other names: short protein forms A1098T.
Identifiers: ClinVar variation 4807532 (VCV004807532.1).